The following is an entry in ClinVar:

NM_007363.5(NONO):c.522A>G (p.Val174=)

Gene: NONO (non-POU domain containing octamer binding; plus strand). Cytogenetic location: Xq13.1.
Variant type: single nucleotide variant.
Coding change: c.522A>G on transcript NM_007363.5 (MANE Select); coding-DNA position 522, A replaced by G.
Protein change: p.Val174=; no amino-acid change (valine 174 retained).
Molecular consequence: synonymous variant.
Genome position (GRCh38, 1-based): chrX:71,294,400, A>G. VCF-style: chrX-71294400-A-G. GRCh37 (hg19) VCF-style: chrX-70514250-A-G.
Other names: c.522A>G, p.Val174= (NM_001145408.2, NM_001145409.2); c.255A>G, p.Val85= (NM_001145410.2).
Identifiers: ClinVar variation 4872331 (VCV004872331.2).

ClinVar aggregate classification (germline): Likely benign (1 of 4 stars; one submission).

Submission:

CeGaT Center for Human Genetics Tuebingen
Classification: Likely benign. Last evaluated: 2026-05-01. Review status: criteria provided, single submitter. Criteria: CeGaT Center For Human Genetics Tuebingen Variant Classification Criteria Version 2. Collection method: clinical testing. Allele origin: germline. Affected: yes. Observed: 1 variant allele.
Comment: NONO: PM2:Supporting, BP4, BP7